The following is an entry in ClinVar:

NM_006757.4(TNNT3):c.480+9C>T

Gene: TNNT3 (troponin T3, fast skeletal type; plus strand). Cytogenetic location: 11p15.5.
Variant type: single nucleotide variant.
Coding change: c.480+9C>T on transcript NM_006757.4 (MANE Select); 9 bases into the intron after coding-DNA position 480, C replaced by T.
Molecular consequence: intron variant.
Genome position (GRCh38, 1-based): chr11:1,934,454, C>T. VCF-style: chr11-1934454-C-T. GRCh37 (hg19) VCF-style: chr11-1955684-C-T.
Other names: c.456+9C>T (NM_001297646.2, NM_001042780.3, NM_001042782.3 and 2 more transcripts); c.513+9C>T (NM_001367846.1); c.489+9C>T (NM_001363561.2, NM_001367847.1); c.474+9C>T (NM_001042781.3, NM_001367843.1, NM_001367842.1); c.477+9C>T (NM_001367848.1); c.423+9C>T (NM_001367850.1); c.276+9C>T (NM_001367851.1, NM_001367852.1); c.468+9C>T (NM_001367849.1).
Identifiers: ClinVar variation 303973 (VCV000303973.15), dbSNP rs374137056, ClinGen allele CA5816487.

ClinVar aggregate classification (germline): Likely benign. Review status: criteria provided, multiple submitters, no conflicts (2 of 4 stars). 2 submissions from 2 submitters: Likely benign (2). Last evaluated 2026-03-30.

Conditions:
TNNT3-related disorder. Also called: TNNT3-related condition.

Allele frequency attached by ClinVar (database versions not stated): gnomAD 0.00016; TOPMed 0.00020; gnomAD exomes 0.00024; ExAC 0.00032; ESP Exome Variant Server 0.00054.
gnomAD v4.1: 366 of 1,612,532 alleles (0.023%); highest among the groups gnomAD compares: Non-Finnish European, 0.029%; no homozygotes.

Submissions (2):

PreventionGenetics, part of Exact Sciences
Classification: Likely benign for TNNT3-related condition. Last evaluated: 2026-03-30. Review status: criteria provided, single submitter. Criteria: ACMG Guidelines, 2015. Collection method: clinical testing. Allele origin: germline.
Comment: This variant is classified as likely benign based on ACMG/AMP sequence variant interpretation guidelines (Richards et al. 2015 PMID: 25741868, with internal and published modifications).

Labcorp Genetics (formerly Invitae), Labcorp
Classification: Likely benign. Last evaluated: 2025-07-28. Review status: criteria provided, single submitter. Criteria: Invitae Variant Classification Sherloc (09022015). Collection method: clinical testing. Allele origin: germline.